The following is an entry in ClinVar:

ClinVar aggregate classification (germline): Likely benign (1 of 4 stars; one submission).

gnomAD v4.1: 1 of 1,606,808 alleles (0.000062%); highest among the groups gnomAD compares: Admixed American, 0.0017%; no homozygotes.

Submission:

CeGaT Center for Human Genetics Tuebingen
Classification: Likely benign. Last evaluated: 2026-02-01. Review status: criteria provided, single submitter. Criteria: CeGaT Center For Human Genetics Tuebingen Variant Classification Criteria Version 2. Collection method: clinical testing. Allele origin: germline. Affected: yes. Observed: 1 variant allele.
Comment: DPYD: BP4, BP7

NM_000110.4(DPYD):c.141G>A (p.Lys47=)

Gene: DPYD (dihydropyrimidine dehydrogenase; minus strand). Cytogenetic location: 1p21.3.
Variant type: single nucleotide variant.
Coding change: c.141G>A on transcript NM_000110.4 (MANE Select); coding-DNA position 141, G replaced by A.
Protein change: p.Lys47=; no amino-acid change (lysine 47 retained).
Molecular consequence: synonymous variant.
Genome position (GRCh38, 1-based): chr1:97,883,273, C>T on the plus strand (G>A on the coding strand, the complement: DPYD is on the minus strand). VCF-style: chr1-97883273-C-T. GRCh37 (hg19) VCF-style: chr1-98348829-C-T.
Other names: c.141G>A, p.Lys47= (NM_001160301.1).
Identifiers: ClinVar variation 4823300 (VCV004823300.4).